The following is an entry in ClinVar:

NM_000422.3(KRT17):c.325A>G (p.Asn109Asp)

Gene: KRT17 (keratin 17; minus strand). Cytogenetic location: 17q21.2.
Variant type: single nucleotide variant.
Coding change: c.325A>G on transcript NM_000422.3 (MANE Select); coding-DNA position 325, A replaced by G.
Protein change: p.Asn109Asp; replaces asparagine 109 with aspartic acid.
Molecular consequence: missense variant.
Genome position (GRCh38, 1-based): chr17:41,624,185, T>C on the plus strand (A>G on the coding strand, the complement: KRT17 is on the minus strand). VCF-style: chr17-41624185-T-C. GRCh37 (hg19) VCF-style: chr17-39780437-T-C.
Other names: short protein forms N109D.
Identifiers: ClinVar variation 66188 (VCV000066188.5), dbSNP rs267607412, ClinGen allele CA216627.
Genomic context (GRCh38, chr17:41,624,185, plus strand): 5'-GGGCGGGCCCCGGGGCCTGCCTCTGGTACCAGTCACGGATCTTCACCTCCAGCTCAGTGT[T>C]GGCCTCCTCCAGGGCACGCACCTTGTCCAGGTAGGAGGCCAGGCGGTCATTGAGGTTCTG-3'
Protein context (NP_000413.1, residues 99-119): LDKVRALEEA[Asn109Asp]TELEVKIRDW

ClinVar aggregate classification (germline): Pathogenic. Review status: criteria provided, single submitter (1 of 4 stars). 2 submissions from 2 submitters: Pathogenic (1). 1 of the submissions does not count toward it. Last evaluated 2023-05-22.

Allele frequency attached by ClinVar (database versions not stated): gnomAD 0.00001; gnomAD exomes 0.00001; TOPMed 0.00004; ExAC 0.00007.
gnomAD v4.1: 20 of 1,612,396 alleles (0.0012%); highest among the groups gnomAD compares: South Asian, 0.0033%; no homozygotes.

Submissions (2):

Labcorp Genetics (formerly Invitae), Labcorp
Classification: Pathogenic. Last evaluated: 2023-05-22. Review status: criteria provided, single submitter. Criteria: Invitae Variant Classification Sherloc (09022015). Collection method: clinical testing. Allele origin: germline.
Comment: For these reasons, this variant has been classified as Pathogenic. Advanced modeling of protein sequence and biophysical properties (such as structural, functional, and spatial information, amino acid conservation, physicochemical variation, residue mobility, and thermodynamic stability) has been performed at Invitae for this missense variant, however the output from this modeling did not meet the statistical confidence thresholds required to predict the impact of this variant on KRT17 protein function. ClinVar contains an entry for this variant (Variation ID: 66188). This missense change has been observed in individual(s) with delayed-onset pachyonychia congenita type II (PMID: 14642066). It has also been observed to segregate with disease in related individuals. This variant is present in population databases (rs267607412, gnomAD 0.003%). This sequence change replaces asparagine, which is neutral and polar, with aspartic acid, which is acidic and polar, at codon 109 of the KRT17 protein (p.Asn109Asp).

Epithelial Biology;  Institute of Medical Biology, Singapore
No classification provided. Review status: no classification provided. Collection method: not provided. Allele origin: not provided. Not counted in ClinVar's aggregate classification.

Literature cited by the submitters: PubMed 14642066 (cited by Labcorp Genetics (formerly Invitae), Labcorp).